The following is an entry in ClinVar:

NM_004629.2(FANCG):c.1086C>G (p.Asp362Glu)

Gene: FANCG (FA complementation group G; minus strand). Cytogenetic location: 9p13.3.
Variant type: single nucleotide variant.
Coding change: c.1086C>G on transcript NM_004629.2 (MANE Select); coding-DNA position 1086, C replaced by G.
Protein change: p.Asp362Glu; replaces aspartic acid 362 with glutamic acid.
Molecular consequence: missense variant.
Genome position (GRCh38, 1-based): chr9:35,076,019, G>C on the plus strand (C>G on the coding strand, the complement: FANCG is on the minus strand). VCF-style: chr9-35076019-G-C. GRCh37 (hg19) VCF-style: chr9-35076016-G-C.
Other names: short protein forms D362E.
Identifiers: ClinVar variation 1337569 (VCV001337569.5), dbSNP rs376623996, ClinGen allele CA373310314.
Genomic context (GRCh38, chr9:35,076,019, plus strand): 5'-CACCCTTGGCTCCGAGCTATCCAGCAACAGGGCCAGCAGGTCCAAGTAATGCTCTGCAGC[G>C]TCTCCTGCCCTGAGGAGTAAAAGCCCATAAGCCTCACCCTAGGCCCTAGCAGGGAACCTG-3'
Protein context (NP_004620.1, residues 352-372): SRCLQTGRAG[Asp362Glu]AAEHYLDLLA

ClinVar aggregate classification (germline): Uncertain significance. Review status: criteria provided, multiple submitters, no conflicts (2 of 4 stars). 2 submissions from 2 submitters: Uncertain significance (2). Last evaluated 2025-05-09.

Conditions:
Inborn genetic diseases. Identifiers: MedGen C0950123, MeSH D030342.

Submissions (2):

Ambry Genetics
Classification: Uncertain significance for Inborn genetic diseases. Last evaluated: 2025-05-09. Review status: criteria provided, single submitter. Criteria: Ambry Variant Classification Scheme 2023. Collection method: clinical testing. Allele origin: germline.
Comment: The p.D362E variant (also known as c.1086C>G), located in coding exon 9 of the FANCG gene, results from a C to G substitution at nucleotide position 1086. The aspartic acid at codon 362 is replaced by glutamic acid, an amino acid with highly similar properties. This amino acid position is conserved. In addition, this alteration is predicted to be tolerated by in silico analysis. Based on the available evidence, the clinical significance of this variant remains unclear.

Genetic Services Laboratory, University of Chicago
Classification: Uncertain significance. Last evaluated: 2020-03-19. Review status: criteria provided, single submitter. Criteria: ACMG Guidelines, 2015. Collection method: clinical testing. Allele origin: germline. Affected: no.